The following is an entry in ClinVar:

ClinVar aggregate classification (germline): Benign. Review status: criteria provided, multiple submitters, no conflicts (2 of 4 stars). 2 submissions from 2 submitters: Benign (2). Last evaluated 2018-06-14.

Allele frequency attached by ClinVar (database versions not stated): ESP Exome Variant Server 0.06551; TOPMed 0.11073; 1000 Genomes Project 30x 0.16537; 1000 Genomes Project 0.16753.
gnomAD v4.1: 145,142 of 1,613,866 alleles (9%); highest among the groups gnomAD compares: East Asian, 36%; 10,788 homozygotes.

Submissions (2):

GeneDx
Classification: Benign. Last evaluated: 2018-06-14. Review status: criteria provided, single submitter. Criteria: GeneDx Variant Classification (06012015). Collection method: clinical testing. Allele origin: germline. Affected: yes.
Comment: This variant is considered likely benign or benign based on one or more of the following criteria: it is a conservative change, it occurs at a poorly conserved position in the protein, it is predicted to be benign by multiple in silico algorithms, and/or has population frequency not consistent with disease.

Breakthrough Genomics
Classification: Benign. Review status: criteria provided, single submitter. Criteria: ACMG Guidelines, 2015. Collection method: not provided. Allele origin: germline. Inheritance: Unknown mechanism. Affected: yes.

NM_144736.5(NDUFAF7):c.56-41C>T

Genes: NDUFAF7 (NADH:ubiquinone oxidoreductase complex assembly factor 7; plus strand), LOC126806192 (CDK7 strongly-dependent group 2 enhancer GRCh37_chr2:37458084-37459283; plus strand). Cytogenetic location: 2p22.2.
Variant type: single nucleotide variant.
Coding change: c.56-41C>T on transcript NM_144736.5 (MANE Select); 41 bases into the intron before coding-DNA position 56, C replaced by T.
Molecular consequence: intron variant.
Genome position (GRCh38, 1-based): chr2:37,232,065, C>T. VCF-style: chr2-37232065-C-T. GRCh37 (hg19) VCF-style: chr2-37459208-C-T.
Other names: c.56-41C>T (NM_001350024.2, NM_001350027.2, NM_001350025.2 and 1 more transcripts).
Identifiers: ClinVar variation 673729 (VCV000673729.2), dbSNP rs17020344, ClinGen allele CA1617013.